The following is an entry in ClinVar:

NM_006642.5(SDCCAG8):c.2115dup (p.Pro706fs)

Genes: AKT3 (AKT serine/threonine kinase 3; minus strand), SDCCAG8 (SHH signaling and ciliogenesis regulator SDCCAG8; plus strand). Cytogenetic location: 1q43.
Variant type: Duplication.
Coding change: c.2115dup on transcript NM_006642.5 (MANE Select); coding-DNA position 2115, one base duplicated (A; older notation c.2115dupA).
Protein change: p.Pro706fs; shifts the reading frame from proline 706.
Molecular consequence: frameshift variant. On other transcripts: nonsense (2), 3 prime UTR variant (2).
Genome position (GRCh38, 1-based): chr1:243,499,758, A duplicated. VCF-style (leftmost placement, unchanged base first): chr1-243499757-T-TA. GRCh37 (hg19) VCF-style: chr1-243663059-T-TA.
Other names: c.1383dup, p.Asn462Ter (NM_001206729.2, NM_181690.2); c.*5491dup (NM_001370074.1, NM_005465.7); c.1212dup, p.Pro405fs (NM_001350246.2, NM_001350247.2, NM_001350251.2); c.2211dup, p.Pro738fs (NM_001350248.2); c.1821dup, p.Pro608fs (NM_001350249.2); short protein forms P706fs, P608fs, N462*, P405fs, P738fs.
Identifiers: ClinVar variation 4994954 (VCV004994954.1).

ClinVar aggregate classification (germline): Uncertain significance (1 of 4 stars; one submission).

Conditions:
SDCCAG8-related disorder. Also called: SDCCAG8-related condition; SDCCAG8-Related Disorders.

Submission:

PreventionGenetics, part of Exact Sciences
Classification: Uncertain significance for SDCCAG8-related condition. Last evaluated: 2025-08-26. Review status: criteria provided, single submitter. Criteria: ACMG Guidelines, 2015. Collection method: clinical testing. Allele origin: germline.
Comment: The SDCCAG8 c.2115dupA variant is predicted to result in a frameshift and premature protein termination (p.Pro706Thrfs*7). This variant is located in the last exon, and does not alter the length of the protein. To our knowledge, this variant has not been reported in the literature. This variant is reported in 0.011% of alleles in individuals of African descent in gnomAD. At this time, the clinical significance of this variant is uncertain due to the absence of conclusive functional and genetic evidence.